The following is an entry in ClinVar:

NM_001004334.4(GPR179):c.1381G>A (p.Gly461Ser)

Gene: GPR179 (G protein-coupled receptor 179; minus strand). Cytogenetic location: 17q12.
Variant type: single nucleotide variant.
Coding change: c.1381G>A on transcript NM_001004334.4 (MANE Select); coding-DNA position 1381, G replaced by A.
Protein change: p.Gly461Ser; replaces glycine 461 with serine.
Molecular consequence: missense variant.
Genome position (GRCh38, 1-based): chr17:38,335,616, C>T on the plus strand (G>A on the coding strand, the complement: GPR179 is on the minus strand). VCF-style: chr17-38335616-C-T. GRCh37 (hg19) VCF-style: chr17-36491499-C-T.
Other names: c.1381G>A (NM_001004334.2); short protein forms G461S.
Identifiers: ClinVar variation 1391910 (VCV001391910.6), dbSNP rs182939740, ClinGen allele CA290108859.

ClinVar aggregate classification (germline): Uncertain significance. Review status: criteria provided, multiple submitters, no conflicts (2 of 4 stars). 2 submissions from 2 submitters: Uncertain significance (2). Last evaluated 2024-02-05.

Conditions:
Inborn genetic diseases. Identifiers: MedGen C0950123, MeSH D030342.

Allele frequency attached by ClinVar (database versions not stated): gnomAD exomes 0.00002 and 0.00006; gnomAD 0.00003; ExAC 0.00004; TOPMed 0.00005; 1000 Genomes Project 0.00020; 1000 Genomes Project 30x 0.00031.

Submissions (2):

Ambry Genetics
Classification: Uncertain significance for Inborn genetic diseases. Last evaluated: 2024-02-05. Review status: criteria provided, single submitter. Criteria: Ambry Variant Classification Scheme 2023. Collection method: clinical testing. Allele origin: germline.

Labcorp Genetics (formerly Invitae), Labcorp
Classification: Uncertain significance. Last evaluated: 2022-10-24. Review status: criteria provided, single submitter. Criteria: Invitae Variant Classification Sherloc (09022015). Collection method: clinical testing. Allele origin: germline.
Comment: This sequence change replaces glycine, which is neutral and non-polar, with serine, which is neutral and polar, at codon 461 of the GPR179 protein (p.Gly461Ser). This variant is present in population databases (rs182939740, gnomAD 0.03%). This variant has not been reported in the literature in individuals affected with GPR179-related conditions. ClinVar contains an entry for this variant (Variation ID: 1391910). Algorithms developed to predict the effect of missense changes on protein structure and function are either unavailable or do not agree on the potential impact of this missense change (SIFT: "Deleterious"; PolyPhen-2: "Probably Damaging"; Align-GVGD: "Class C0"). In summary, the available evidence is currently insufficient to determine the role of this variant in disease. Therefore, it has been classified as a Variant of Uncertain Significance.